The following is an entry in ClinVar:

ClinVar aggregate classification (germline): Likely benign. Review status: criteria provided, multiple submitters, no conflicts (2 of 4 stars). 7 submissions from 3 submitters: Likely benign (7). Last evaluated 2024-09-23.

Conditions:
Hereditary cryohydrocytosis with reduced stomatin. Also called: GLUT1 DEFICIENCY SYNDROME WITH PSEUDOHYPERKALEMIA AND HEMOLYSIS; Stomatin-deficient cryohydrocytosis with neurologic defects. Identifiers: Orphanet 168577, MedGen C1837206, MONDO:0012143, OMIM 608885.
Epilepsy, idiopathic generalized, susceptibility to, 12 (EIG12). Identifiers: MedGen C3553859, MONDO:0013919, OMIM 614847.
Dystonia 9 (DYT9). Also called: CHOREOATHETOSIS, KINESIGENIC, WITH EPISODIC ATAXIA AND SPASTICITY. Identifiers: Orphanet 53583, MedGen C1832855, MONDO:0010983, OMIM 601042.
Encephalopathy due to GLUT1 deficiency. Also called: Classic Glucose Transporter Type 1 Deficiency Syndrome; GLUT1 deficiency syndrome 1, infantile onset, severe; GLUCOSE TRANSPORT DEFECT, BLOOD-BRAIN BARRIER; GLUT1 deficiency syndrome 1; De Vivo disease; Glucose transporter protein syndrome. Identifiers: Orphanet 71277, MedGen C4551966, MONDO:0011724, OMIM 606777.
GLUT1 deficiency syndrome 1, autosomal recessive. Identifiers: MedGen C3149117.
Childhood onset GLUT1 deficiency syndrome 2. Also called: GLUT1 deficiency syndrome 2; Exertion-induced paroxysmal dyskinesia; PxMD-SLC2A1; Paroxysmal exercise-induced dystonia; PAROXYSMAL EXERCISE-INDUCED DYSKINESIA WITH OR WITHOUT EPILEPSY AND/OR HEMOLYTIC ANEMIA; PAROXYSMAL EXERTION-INDUCED DYSTONIA WITH OR WITHOUT EPILEPSY AND/OR HEMOLYTIC ANEMIA. Identifiers: Orphanet 98811, MedGen C1842534, MONDO:0012805, OMIM 612126.

Allele frequency attached by ClinVar (database versions not stated): gnomAD exomes below 0.00001 and 0.00001; TOPMed below 0.00001; gnomAD 0.00001; ExAC 0.00002.
gnomAD v4.1: 7 of 1,614,104 alleles (0.00043%); highest among the groups gnomAD compares: Non-Finnish European, 0.00059%; no homozygotes.

Submissions (7):

Labcorp Genetics (formerly Invitae), Labcorp
Classification: Likely benign for GLUT1 deficiency syndrome 1, autosomal recessive. Last evaluated: 2024-09-23. Review status: criteria provided, single submitter. Criteria: Invitae Variant Classification Sherloc (09022015). Collection method: clinical testing. Allele origin: germline.

Genome-Nilou Lab
Classification: Likely benign for Epilepsy, idiopathic generalized, susceptibility to, 12. Last evaluated: 2023-04-11. Review status: criteria provided, single submitter. Criteria: ACMG Guidelines, 2015. Collection method: clinical testing. Allele origin: germline. Affected: no.

Genome-Nilou Lab
Classification: Likely benign for Dystonia 9. Last evaluated: 2023-04-11. Review status: criteria provided, single submitter. Criteria: ACMG Guidelines, 2015. Collection method: clinical testing. Allele origin: germline. Affected: no.

Genome-Nilou Lab
Classification: Likely benign for Encephalopathy due to GLUT1 deficiency. Last evaluated: 2023-04-11. Review status: criteria provided, single submitter. Criteria: ACMG Guidelines, 2015. Collection method: clinical testing. Allele origin: germline. Affected: no.

Genome-Nilou Lab
Classification: Likely benign for Childhood onset GLUT1 deficiency syndrome 2. Last evaluated: 2023-04-11. Review status: criteria provided, single submitter. Criteria: ACMG Guidelines, 2015. Collection method: clinical testing. Allele origin: germline. Affected: no.

Genome-Nilou Lab
Classification: Likely benign for Hereditary cryohydrocytosis with reduced stomatin. Last evaluated: 2023-04-11. Review status: criteria provided, single submitter. Criteria: ACMG Guidelines, 2015. Collection method: clinical testing. Allele origin: germline. Affected: no.

GeneDx
Classification: Likely benign. Last evaluated: 2016-12-09. Review status: criteria provided, single submitter. Criteria: GeneDx Variant Classification (06012015). Collection method: clinical testing. Allele origin: germline. Affected: yes.
Comment: This variant is considered likely benign or benign based on one or more of the following criteria: it is a conservative change, it occurs at a poorly conserved position in the protein, it is predicted to be benign by multiple in silico algorithms, and/or has population frequency not consistent with disease.

NM_006516.4(SLC2A1):c.680-16C>T

Gene: SLC2A1 (solute carrier family 2 member 1; minus strand). Cytogenetic location: 1p34.2.
Variant type: single nucleotide variant.
Coding change: c.680-16C>T on transcript NM_006516.4 (MANE Select); 16 bases into the intron before coding-DNA position 680, C replaced by T.
Molecular consequence: intron variant.
Genome position (GRCh38, 1-based): chr1:42,929,796, G>A on the plus strand (C>T on the coding strand, the complement: SLC2A1 is on the minus strand). VCF-style: chr1-42929796-G-A. GRCh37 (hg19) VCF-style: chr1-43395467-G-A.
Identifiers: ClinVar variation 378607 (VCV000378607.9), dbSNP rs752942175, ClinGen allele CA803469.
Genomic context (GRCh38, chr1:42,929,796, plus strand): 5'-GCAGGTCATGGGTCACGTCAGCTGTCCCGCGCAGCTTCTTTAGCACTGGGGGGACCGGAG[G>A]GAAGGTGAGGGTGGCTCAGAGTGGGAAGAAGGCCAGGGCTCAGGGAGTGGGGAGGAGGGC-3'